The following is an entry in ClinVar:

ClinVar aggregate classification (germline): Uncertain significance (1 of 4 stars; one submission).

Conditions:
Inborn genetic diseases. Identifiers: MedGen C0950123, MeSH D030342.

gnomAD v4.1: 4 of 1,610,954 alleles (0.00025%); highest among the groups gnomAD compares: Non-Finnish European, 0.00025%; no homozygotes.

Submission:

Ambry Genetics
Classification: Uncertain significance for Inborn genetic diseases. Last evaluated: 2026-02-16. Review status: criteria provided, single submitter. Criteria: Ambry Variant Classification Scheme 2023. Collection method: clinical testing. Allele origin: germline.
Comment: The p.K270E variant (also known as c.808A>G) is located in coding exon 8 of the CEP57 gene. The lysine at codon 270 is replaced by glutamic acid, an amino acid with similar properties. This change occurs in the first base pair of coding exon 8. This amino acid position is conserved. In addition, this alteration is predicted to be tolerated by in silico analysis. Based on the available evidence, the clinical significance of this variant remains unclear.

NM_014679.5(CEP57):c.808A>G (p.Lys270Glu)

Gene: CEP57 (centrosomal protein 57; plus strand). Cytogenetic location: 11q21.
Variant type: single nucleotide variant.
Coding change: c.808A>G on transcript NM_014679.5 (MANE Select); coding-DNA position 808, A replaced by G.
Protein change: p.Lys270Glu; replaces lysine 270 with glutamic acid.
Molecular consequence: missense variant. On other transcripts: intron variant (4).
Genome position (GRCh38, 1-based): chr11:95,822,499, A>G. VCF-style: chr11-95822499-A-G. GRCh37 (hg19) VCF-style: chr11-95555663-A-G.
Other names: c.781A>G, p.Lys261Glu (NM_001243776.2); c.727A>G, p.Lys243Glu (NM_001363604.2, NM_001440869.1, NM_001440870.1); c.700A>G, p.Lys234Glu (NM_001440871.1); c.691A>G, p.Lys231Glu (NM_001440872.1); c.628A>G, p.Lys210Glu (NM_001440873.1); c.619A>G, p.Lys207Glu (NM_001440875.1); c.610A>G, p.Lys204Glu (NM_001440877.1, NM_001440878.1); c.583A>G, p.Lys195Glu (NM_001440879.1); and 6 more; short protein forms K204E, K210E, K261E, K183E, K195E, K207E, K231E, K234E.
Identifiers: ClinVar variation 4845104 (VCV004845104.1).